The following is an entry in ClinVar:

ClinVar aggregate classification (germline): Likely benign (0 of 4 stars; one submission).

Conditions:
CREBBP-related disorder. Also called: CREBBP-related condition; CREBBP-related disorders.

gnomAD v4.1: 3 of 1,614,196 alleles (0.00019%); highest among the groups gnomAD compares: Non-Finnish European, 0.00025%; no homozygotes.

Submission:

PreventionGenetics, part of Exact Sciences
Classification: Likely benign for CREBBP-related condition. Last evaluated: 2024-05-28. Review status: no assertion criteria provided. Collection method: clinical testing. Allele origin: germline.
Comment: This variant is classified as likely benign based on ACMG/AMP sequence variant interpretation guidelines (Richards et al. 2015 PMID: 25741868, with internal and published modifications).

NM_004380.3(CREBBP):c.2985G>A (p.Leu995=)

Gene: CREBBP (CREB binding lysine acetyltransferase; minus strand). Cytogenetic location: 16p13.3.
Variant type: single nucleotide variant.
Coding change: c.2985G>A on transcript NM_004380.3 (MANE Select); coding-DNA position 2985, G replaced by A.
Protein change: p.Leu995=; no amino-acid change (leucine 995 retained).
Molecular consequence: synonymous variant.
Genome position (GRCh38, 1-based): chr16:3,769,249, C>T on the plus strand (G>A on the coding strand, the complement: CREBBP is on the minus strand). VCF-style: chr16-3769249-C-T. GRCh37 (hg19) VCF-style: chr16-3819250-C-T.
Other names: c.2871G>A, p.Leu957= (NM_001079846.1).
Identifiers: ClinVar variation 3353595 (VCV003353595.1).
Genomic context (GRCh38, chr16:3,769,249, plus strand): 5'-CCCTTTGGATTCACCAGGATCGGGCTCAGTGTCCTCTGCTTGGGTCTCCGTCTTCATTTC[C>T]AGCACAGGTACGTCAGGTCCTGGCTGCTGGGAATTGGTTTCTGCGCTGGCCACCGAGGAG-3'
Protein context (NP_004371.2, residues 985-1005): SQQPGPDVPV[Leu995=]EMKTETQAED